The following is an entry in ClinVar:

GRCh38/hg38 10q11.22(chr10:46157935-47923579)x1

Genes: AGAP10 (ArfGAP with GTPase domain, ankyrin repeat and PH domain 10), AGAP9 (ArfGAP with GTPase domain, ankyrin repeat and PH domain 9; minus strand), ANTXRL (ANTXR like; plus strand), ANXA8 (annexin A8; minus strand), ANXA8L1 (annexin A8 like 1; plus strand) and 31 more. Cytogenetic location: 10q11.22.
Variant type: copy number loss.
Change: copy number 1 (one copy instead of two) of chr10:46,157,935-47,923,579 (1.77 Mb, GRCh38 coordinates, 1-based), cytogenetic band 10q11.22.
Identifiers: ClinVar variation 31951 (VCV000031951.3).

ClinVar aggregate classification (germline): Benign. Review status: no assertion criteria provided (0 of 4 stars). 2 submissions from 1 submitter: Benign (1). 1 of the submissions does not count toward it. Last evaluated 2013-09-18.

Submissions (2):

ISCA site 4
Classification: Benign. Last evaluated: 2013-09-18. Review status: no assertion criteria provided. Collection method: clinical testing. Allele origin: unknown. Affected: yes. Observed: 10 variant alleles. Clinical features observed: Developmental delay AND/OR other significant developmental or morphological phenotypes, Cleft upper lip (HP:0000204), Abnormality of the eye (HP:0000478), Autism (HP:0000717).

ISCA site 4
Classification: Benign. Last evaluated: 2011-08-12. Review status: flagged submission. Criteria: Kaminsky et al. (Genet Med. 2011). Collection method: clinical testing. Allele origin: unknown, paternal. Affected: yes. Observed: 5 variant alleles. Clinical features observed: Incoordination (HP:0002311), Bilateral sensorineural hearing impairment (HP:0008619), Expressive language delay (HP:0002474), Developmental delay AND/OR other significant developmental or morphological phenotypes. Not counted in ClinVar's aggregate classification.
Comment: Copy number variation identified through the course of routine clinical cytogenomic testing in postnatal populations. Clinical assertions have been curated as described in Kaminsky et al. 2011.
ClinVar note: Reason: This record appears to be redundant with a more recent record from the same submitter.
ClinVar note: Notes: SCV000077566 appears to be redundant with SCV000172966.